The following is an entry in ClinVar:

ClinVar aggregate classification (germline): Uncertain significance (1 of 4 stars; one submission).

Conditions:
Inborn genetic diseases. Identifiers: MedGen C0950123, MeSH D030342.

Submission:

Ambry Genetics
Classification: Uncertain significance for Inborn genetic diseases. Last evaluated: 2025-01-04. Review status: criteria provided, single submitter. Criteria: Ambry Variant Classification Scheme 2023. Collection method: clinical testing. Allele origin: germline.
Comment: The p.R174L variant (also known as c.521G>T), located in coding exon 3 of the MIB1 gene, results from a G to T substitution at nucleotide position 521. The arginine at codon 174 is replaced by leucine, an amino acid with dissimilar properties. This amino acid position is conserved. In addition, this alteration is predicted to be deleterious by in silico analysis. Based on the available evidence, the clinical significance of this variant remains unclear.

NM_020774.4(MIB1):c.521G>T (p.Arg174Leu)

Gene: MIB1 (MIB E3 ubiquitin protein ligase 1; plus strand). Cytogenetic location: 18q11.2.
Variant type: single nucleotide variant.
Coding change: c.521G>T on transcript NM_020774.4 (MANE Select); coding-DNA position 521, G replaced by T.
Protein change: p.Arg174Leu; replaces arginine 174 with leucine.
Molecular consequence: missense variant.
Genome position (GRCh38, 1-based): chr18:21,768,742, G>T. VCF-style: chr18-21768742-G-T. GRCh37 (hg19) VCF-style: chr18-19348703-G-T.
Other names: short protein forms R174L.
Identifiers: ClinVar variation 2556754 (VCV002556754.3), dbSNP rs755375969, ClinGen allele CA401761945.